The following is an entry in ClinVar:

NM_006846.4(SPINK5):c.210-295A>G

Gene: SPINK5 (serine peptidase inhibitor Kazal type 5; plus strand). Cytogenetic location: 5q32.
Variant type: single nucleotide variant.
Coding change: c.210-295A>G on transcript NM_006846.4 (MANE Select); 295 bases into the intron before coding-DNA position 210, A replaced by G.
Molecular consequence: intron variant.
Genome position (GRCh38, 1-based): chr5:148,071,853, A>G. VCF-style: chr5-148071853-A-G. GRCh37 (hg19) VCF-style: chr5-147451416-A-G.
Other names: c.210-295A>G (NM_001127698.2, NM_001127699.2).
Identifiers: ClinVar variation 667627 (VCV000667627.1), dbSNP rs1156807, ClinGen allele CA129717727.

ClinVar aggregate classification (germline): Benign (1 of 4 stars; one submission).

Allele frequency attached by ClinVar (database versions not stated): gnomAD 0.99281 and 0.99311; TOPMed 0.99301; 1000 Genomes Project 30x 0.99719; 1000 Genomes Project 0.99740.
gnomAD v4.1: 151,110 of 152,182 alleles (99%); highest among the groups gnomAD compares: East Asian, 100%; 75,026 homozygotes.

Submission:

GeneDx
Classification: Benign. Last evaluated: 2018-06-14. Review status: criteria provided, single submitter. Criteria: GeneDx Variant Classification (06012015). Collection method: clinical testing. Allele origin: germline. Affected: yes.
Comment: This variant is considered likely benign or benign based on one or more of the following criteria: it is a conservative change, it occurs at a poorly conserved position in the protein, it is predicted to be benign by multiple in silico algorithms, and/or has population frequency not consistent with disease.